The following is an entry in ClinVar:

ClinVar aggregate classification (germline): Pathogenic (1 of 4 stars; one submission).

Submission:

Labcorp Genetics (formerly Invitae), Labcorp
Classification: Pathogenic. Last evaluated: 2022-10-23. Review status: criteria provided, single submitter. Criteria: Invitae Variant Classification Sherloc (09022015). Collection method: clinical testing. Allele origin: germline.
Comment: For these reasons, this variant has been classified as Pathogenic. This variant has not been reported in the literature in individuals affected with CEP135-related conditions. This variant is not present in population databases (gnomAD no frequency). This sequence change creates a premature translational stop signal (p.Leu539Ilefs*2) in the CEP135 gene. It is expected to result in an absent or disrupted protein product. Loss-of-function variants in CEP135 are known to be pathogenic (PMID: 22521416, 26657937).

Literature cited by the submitters: PubMed 22521416; PubMed 26657937.

NM_025009.5(CEP135):c.1615_1616del (p.Leu539fs)

Gene: CEP135 (centrosomal protein 135; plus strand). Cytogenetic location: 4q12.
Variant type: Deletion.
Coding change: c.1615_1616del on transcript NM_025009.5 (MANE Select); coding-DNA positions 1615 to 1616, 2 bases deleted (TT; older notation c.1615_1616delTT).
Protein change: p.Leu539fs; shifts the reading frame from leucine 539.
Molecular consequence: frameshift variant.
Genome position (GRCh38, 1-based): chr4:55,980,284-55,980,285, TT deleted. VCF-style (leftmost placement, unchanged base first): chr4-55980283-CTT-C. GRCh37 (hg19) VCF-style: chr4-56846449-CTT-C.
Other names: short protein forms L539fs.
Identifiers: ClinVar variation 2036626 (VCV002036626.4), dbSNP rs2475308336, ClinGen allele CA2580071202.